The following is an entry in ClinVar:

Conditions:
Breast-ovarian cancer, familial, susceptibility to, 1 (BROVCA1). Also called: BRCA1 Hereditary Breast and Ovarian Cancer; OVARIAN CANCER, SUSCEPTIBILITY TO. Identifiers: Orphanet 145, MedGen C2676676, MONDO:0011450, OMIM 604370. Disease mechanism: loss of function.

Submission:

Brotman Baty Institute, University of Washington
No classification provided (evidence only). Condition: Breast-ovarian cancer, familial 1. Review status: no classification provided. Collection method: in vitro. Allele origin: not applicable. Functional consequence: functionally_abnormal.
ClinVar note: "not provided" was previously submitted as the classification for the variant. However, the classification appeared to be based only on an observation of functional data so it was converted to no classification on 2025-07-30.

NM_007294.4(BRCA1):c.5008A>T (p.Arg1670Ter)

Gene: BRCA1 (BRCA1 DNA repair associated; minus strand). Cytogenetic location: 17q21.31.
Variant type: single nucleotide variant.
Coding change: c.5008A>T on transcript NM_007294.4 (MANE Select); coding-DNA position 5008, A replaced by T.
Protein change: p.Arg1670Ter; replaces arginine 1670 with a stop codon.
Molecular consequence: nonsense. On other transcripts: non-coding transcript variant (1).
Genome position (GRCh38, 1-based): chr17:43,067,674, T>A on the plus strand (A>T on the coding strand, the complement: BRCA1 is on the minus strand). VCF-style: chr17-43067674-T-A. GRCh37 (hg19) VCF-style: chr17-41219691-T-A.
Other names: c.4795A>T, p.Arg1599Ter (NM_001407571.1, NM_001407900.1, NM_001407902.1 and 12 more transcripts); c.5074A>T, p.Arg1692Ter (NM_001407581.1, NM_001407582.1); c.5071A>T, p.Arg1691Ter (NM_001407583.1, NM_001407585.1, NM_001407587.1 and 1 more transcripts); c.5005A>T, p.Arg1669Ter (NM_001407610.1, NM_001407611.1, NM_001407612.1 and 17 more transcripts); c.5002A>T, p.Arg1668Ter (NM_001407629.1, NM_001407630.1, NM_001407631.1 and 14 more transcripts); c.4948A>T, p.Arg1650Ter (NM_001407649.1); c.5008A>T, p.Arg1670Ter (NM_001407652.1, NM_001407684.1, NM_001407854.1 and 8 more transcripts); c.4930A>T, p.Arg1644Ter (NM_001407653.1, NM_001407654.1, NM_001407655.1); and 70 more; short protein forms R1623*, R1670*, R1691*, R566*, R1557*, R1582*, R1601*, R1603*.
Identifiers: ClinVar variation 865527 (VCV000865527.3), dbSNP rs1057523976, ClinGen allele CA10591504.